The following is an entry in ClinVar:

NM_000283.4(PDE6B):c.463G>T (p.Ala155Ser)

Gene: PDE6B (phosphodiesterase 6B; plus strand). Cytogenetic location: 4p16.3.
Variant type: single nucleotide variant.
Coding change: c.463G>T on transcript NM_000283.4 (MANE Select); coding-DNA position 463, G replaced by T.
Protein change: p.Ala155Ser; replaces alanine 155 with serine.
Molecular consequence: missense variant.
Genome position (GRCh38, 1-based): chr4:626,089, G>T. VCF-style: chr4-626089-G-T. GRCh37 (hg19) VCF-style: chr4-619878-G-T.
Other names: c.463G>T, p.Ala155Ser (NM_001145291.2); short protein forms A155S.
Identifiers: ClinVar variation 3682977 (VCV003682977.3).

ClinVar aggregate classification (germline): Uncertain significance. Review status: criteria provided, multiple submitters, no conflicts (2 of 4 stars). 2 submissions from 2 submitters: Uncertain significance (2). Last evaluated 2024-08-31.

Submissions (2):

Labcorp Genetics (formerly Invitae), Labcorp
Classification: Uncertain significance. Last evaluated: 2024-08-31. Review status: criteria provided, single submitter. Criteria: Invitae Variant Classification Sherloc (09022015). Collection method: clinical testing. Allele origin: germline.
Comment: This sequence change replaces alanine, which is neutral and non-polar, with serine, which is neutral and polar, at codon 155 of the PDE6B protein (p.Ala155Ser). This variant is not present in population databases (gnomAD no frequency). This variant has not been reported in the literature in individuals affected with PDE6B-related conditions. Invitae Evidence Modeling of protein sequence and biophysical properties (such as structural, functional, and spatial information, amino acid conservation, physicochemical variation, residue mobility, and thermodynamic stability) indicates that this missense variant is not expected to disrupt PDE6B protein function with a negative predictive value of 95%. In summary, the available evidence is currently insufficient to determine the role of this variant in disease. Therefore, it has been classified as a Variant of Uncertain Significance.

Blueprint Genetics
Classification: Uncertain significance. Last evaluated: 2022-04-09. Review status: criteria provided, single submitter. Criteria: ACMG Guidelines, 2015. Collection method: clinical testing. Allele origin: germline.